The following is an entry in ClinVar:

ClinVar aggregate classification (germline): Uncertain significance. Review status: criteria provided, multiple submitters, no conflicts (2 of 4 stars). 6 submissions from 6 submitters: Uncertain significance (6). Last evaluated 2025-11-11.

Conditions:
Inborn genetic diseases. Identifiers: MedGen C0950123, MeSH D030342.

Allele frequency attached by ClinVar (database versions not stated): TOPMed 0.00010; 1000 Genomes Project 30x 0.00031.
gnomAD v4.1: 90 of 1,613,670 alleles (0.0056%); highest among the groups gnomAD compares: Admixed American, 0.095%; 2 homozygotes.

Submissions (6):

Women's Health and Genetics/Laboratory Corporation of America, LabCorp
Classification: Uncertain significance. Last evaluated: 2025-11-11. Review status: criteria provided, single submitter. Criteria: LabCorp Variant Classification Summary - May 2015. Collection method: clinical testing. Allele origin: germline.
Comment: Variant summary: HSPG2 c.12952C>T (p.Arg4318Trp) results in a non-conservative amino acid change in the encoded protein sequence. Algorithms developed to predict the effect of missense changes on protein structure and function are either unavailable or do not agree on the potential impact of this missense change. The variant allele was found at a frequency of 4e-05 in 250734 control chromosomes in the gnomAD database, including 1 homozygotes. This frequency is not significantly higher than estimated for disease-causing variants in HSPG2, allowing no conclusion about variant significance. To our knowledge, no occurrence of c.12952C>T in individuals affected with HSPG2-related conditions and no experimental evidence demonstrating its impact on protein function have been reported. ClinVar contains an entry for this variant (Variation ID: 447541). Based on the evidence outlined above, the variant was classified as uncertain significance.

GeneDx
Classification: Uncertain significance. Last evaluated: 2024-05-23. Review status: criteria provided, single submitter. Criteria: GeneDx Variant Classification Process June 2021. Collection method: clinical testing. Allele origin: germline. Affected: yes.
Comment: In silico analysis supports that this missense variant has a deleterious effect on protein structure/function; Has not been previously published as pathogenic or benign to our knowledge

Labcorp Genetics (formerly Invitae), Labcorp
Classification: Uncertain significance. Last evaluated: 2024-01-08. Review status: criteria provided, single submitter. Criteria: Invitae Variant Classification Sherloc (09022015). Collection method: clinical testing. Allele origin: germline.
Comment: This sequence change replaces arginine, which is basic and polar, with tryptophan, which is neutral and slightly polar, at codon 4318 of the HSPG2 protein (p.Arg4318Trp). This variant is present in population databases (rs3736358, gnomAD 0.01%), including at least one homozygous and/or hemizygous individual. This variant has not been reported in the literature in individuals affected with HSPG2-related conditions. ClinVar contains an entry for this variant (Variation ID: 447541). An algorithm developed to predict the effect of missense changes on protein structure and function (PolyPhen-2) suggests that this variant is likely to be disruptive. In summary, the available evidence is currently insufficient to determine the role of this variant in disease. Therefore, it has been classified as a Variant of Uncertain Significance.

Ambry Genetics
Classification: Uncertain significance for Inborn genetic diseases. Last evaluated: 2021-02-11. Review status: criteria provided, single submitter. Criteria: Ambry Variant Classification Scheme 2023. Collection method: clinical testing. Allele origin: germline.
Comment: The c.12952C>T (p.R4318W) alteration is located in exon 95 (coding exon 95) of the HSPG2 gene. This alteration results from a C to T substitution at nucleotide position 12952, causing the arginine (R) at amino acid position 4318 to be replaced by a tryptophan (W). The p.R4318W alteration is predicted to be tolerated by in silico analysis. Based on insufficient or conflicting evidence, the clinical significance of this alteration remains unclear.

Revvity Omics, Revvity
Classification: Uncertain significance. Last evaluated: 2019-02-22. Review status: criteria provided, single submitter. Criteria: ACMG Guidelines, 2015. Collection method: clinical testing. Allele origin: germline.

Athena Diagnostics
Classification: Uncertain significance. Last evaluated: 2017-07-05. Review status: criteria provided, single submitter. Criteria: Athena Diagnostics Criteria. Collection method: clinical testing. Allele origin: germline.

NM_005529.7(HSPG2):c.12952C>T (p.Arg4318Trp)

Genes: HSPG2 (heparan sulfate proteoglycan 2; minus strand), LDLRAD2 (low density lipoprotein receptor class A domain containing 2; plus strand). Cytogenetic location: 1p36.12.
Variant type: single nucleotide variant.
Coding change: c.12952C>T on transcript NM_005529.7 (MANE Select); coding-DNA position 12952, C replaced by T.
Protein change: p.Arg4318Trp; replaces arginine 4318 with tryptophan.
Molecular consequence: missense variant. On other transcripts: 3 prime UTR variant (1).
Genome position (GRCh38, 1-based): chr1:21,823,667, G>A on the plus strand (C>T on the coding strand, the complement: HSPG2 is on the minus strand). VCF-style: chr1-21823667-G-A. GRCh37 (hg19) VCF-style: chr1-22150160-G-A.
Other names: c.12955C>T, p.Arg4319Trp (NM_001291860.2); c.*1452G>A (NM_001013693.3); short protein forms R4318W, R4319W.
Identifiers: ClinVar variation 447541 (VCV000447541.11), dbSNP rs3736358, ClinGen allele CA669202.